The following is an entry in ClinVar:

NM_020843.4(SCAPER):c.2955-9404_2955-9403insC

Gene: SCAPER (S-phase cyclin A associated protein in the ER; minus strand). Cytogenetic location: 15q24.3.
Variant type: Insertion.
Coding change: c.2955-9404_2955-9403insC on transcript NM_020843.4 (MANE Select); 9404 bases into the intron before coding-DNA position 2955 through 9403 bases into the intron before coding-DNA position 2955, C inserted.
Molecular consequence: intron variant.
Genome position: GRCh38 VCF-style: chr15-76480738-T-TG. GRCh37 (hg19) VCF-style: chr15-76773079-T-TG.
Other names: c.2571-9404_2571-9403insC (NM_001353011.2); c.2553-9404_2553-9403insC (NM_001353012.2, NM_001353010.2); c.2973-9404_2973-9403insC (NM_001353009.2); c.2217-9404_2217-9403insC (NM_001145923.2).
Identifiers: ClinVar variation 4846925 (VCV004846925.1).

ClinVar aggregate classification (germline): Uncertain significance (1 of 4 stars; one submission).

Conditions:
Intellectual developmental disorder and retinitis pigmentosa; IDDRP. Also called: INTELLECTUAL DEVELOPMENTAL DISORDER AND RETINITIS PIGMENTOSA. Identifiers: MedGen C4748658, MONDO:0032594, OMIM 618195.

Submission:

Laboratorio de Genetica e Diagnostico Molecular, Hospital Israelita Albert Einstein
Classification: Uncertain significance for Intellectual developmental disorder and retinitis pigmentosa; IDDRP. Last evaluated: 2025-10-24. Review status: criteria provided, single submitter. Criteria: ACMG Guidelines, 2015. Collection method: clinical testing. Allele origin: germline. Affected: yes.
Comment: ACMG classification criteria: PM2 supporting, BP4 supporting